The following is an entry in ClinVar:

NM_175875.5(SIX5):c.258C>G (p.Phe86Leu)

Genes: DM1-AS (DM1 locus antisense RNA; plus strand), SIX5 (SIX homeobox 5; minus strand), LOC107075317 (origin of replication in DMPK trinucleotide repeat region; plus strand), LOC129929037 (ATAC-STARR-seq lymphoblastoid silent region 10794; plus strand). Cytogenetic location: 19q13.32.
Variant type: single nucleotide variant.
Coding change: c.258C>G on transcript NM_175875.5 (MANE Select); coding-DNA position 258, C replaced by G.
Protein change: p.Phe86Leu; replaces phenylalanine 86 with leucine.
Molecular consequence: missense variant.
Genome position (GRCh38, 1-based): chr19:45,768,587, G>C on the plus strand (C>G on the coding strand, the complement: SIX5 is on the minus strand). VCF-style: chr19-45768587-G-C. GRCh37 (hg19) VCF-style: chr19-46271845-G-C.
Other names: c.258C>G (NM_175875.4); short protein forms F86L.
Identifiers: ClinVar variation 1367847 (VCV001367847.8), dbSNP rs950267055, ClinGen allele CA309001730.

ClinVar aggregate classification (germline): Conflicting classifications of pathogenicity. Review status: criteria provided, conflicting classifications (1 of 4 stars). 4 submissions from 4 submitters: Uncertain significance (3); Likely benign (1). Last evaluated 2026-08-04.

Conditions:
Branchiootorenal syndrome 2 (BOR2). Identifiers: Orphanet 107, MedGen C1970479, MONDO:0012575, OMIM 610896.
SIX5-related disorder. Also called: SIX5-related condition.

Allele frequency attached by ClinVar (database versions not stated): gnomAD 0.00001; TOPMed 0.00007.
gnomAD v4.1: 10 of 1,359,480 alleles (0.00074%); highest among the groups gnomAD compares: Admixed American, 0.039%; no homozygotes.

Submissions (4):

PreventionGenetics, part of Exact Sciences
Classification: Likely benign for SIX5-related condition. Last evaluated: 2026-08-04. Review status: criteria provided, single submitter. Criteria: ACMG Guidelines, 2015. Collection method: clinical testing. Allele origin: germline.
Comment: This variant is classified as likely benign based on ACMG/AMP sequence variant interpretation guidelines (Richards et al. 2015 PMID: 25741868, with internal and published modifications).

Labcorp Genetics (formerly Invitae), Labcorp
Classification: Uncertain significance. Last evaluated: 2025-12-17. Review status: criteria provided, single submitter. Criteria: Invitae Variant Classification Sherloc (09022015). Collection method: clinical testing. Allele origin: germline.
Comment: This sequence change replaces phenylalanine, which is neutral and non-polar, with leucine, which is neutral and non-polar, at codon 86 of the SIX5 protein (p.Phe86Leu). This variant is present in population databases (no rsID available, gnomAD 0.3%). This variant has not been reported in the literature in individuals affected with SIX5-related conditions. ClinVar contains an entry for this variant (Variation ID: 1367847). Invitae Evidence Modeling of protein sequence and biophysical properties (such as structural, functional, and spatial information, amino acid conservation, physicochemical variation, residue mobility, and thermodynamic stability) has been performed for this missense variant. However, the output from this modeling did not meet the statistical confidence thresholds required to predict the impact of this variant on SIX5 protein function. In summary, the available evidence is currently insufficient to determine the role of this variant in disease. Therefore, it has been classified as a Variant of Uncertain Significance.

Fulgent Genetics
Classification: Uncertain significance for Branchiootorenal syndrome 2. Last evaluated: 2022-01-17. Review status: criteria provided, single submitter. Criteria: ACMG Guidelines, 2015. Collection method: clinical testing. Allele origin: unknown.

Ambry Genetics
Classification: Uncertain significance. Last evaluated: 2021-12-07. Review status: criteria provided, single submitter. Criteria: Ambry Variant Classification Scheme 2023. Collection method: clinical testing. Allele origin: germline.